The following is an entry in ClinVar:

ClinVar aggregate classification (germline): Uncertain significance (1 of 4 stars; one submission).

Submission:

GeneDx
Classification: Uncertain significance. Last evaluated: 2024-02-02. Review status: criteria provided, single submitter. Criteria: GeneDx Variant Classification Process June 2021. Collection method: clinical testing. Allele origin: germline. Affected: yes.
Comment: Not observed at significant frequency in large population cohorts (gnomAD); In silico analysis supports that this variant does not alter splicing; Has not been previously published as pathogenic or benign to our knowledge; Reported using an alternate transcript of the gene

NM_001326342.2(CELF2):c.61G>A (p.Val21Ile)

Gene: CELF2 (CUGBP Elav-like family member 2; plus strand). Cytogenetic location: 10p14.
Variant type: single nucleotide variant.
Coding change: c.61G>A on transcript NM_001326342.2 (MANE Select); coding-DNA position 61, G replaced by A.
Protein change: p.Val21Ile; replaces valine 21 with isoleucine.
Molecular consequence: missense variant. On other transcripts: intron variant (24).
Genome position (GRCh38, 1-based): chr10:11,018,150, G>A. VCF-style: chr10-11018150-G-A. GRCh37 (hg19) VCF-style: chr10-11060113-G-A.
Other names: c.61G>A, p.Val21Ile (NM_001326340.2, NM_001326341.2, NM_001326343.2 and 4 more transcripts); c.-20+98151G>A (NM_001326323.2, NM_001326320.2, NM_001326321.2 and 4 more transcripts); c.-20+77696G>A (NM_001326319.2); c.146+98151G>A (NM_001326325.2); c.89+98151G>A (NM_001326327.2, NM_001326326.2); c.-20+13152G>A (NM_001326330.2, NM_001326329.2); c.-205+12710G>A (NM_001326334.2); c.53+12710G>A (NM_001326336.2, NM_001326335.2, NM_001326337.2 and 4 more transcripts); and 2 more; short protein forms V21I.
Identifiers: ClinVar variation 3368506 (VCV003368506.1).